The following is an entry in ClinVar:

NM_000048.4(ASL):c.540del (p.Thr181fs)

Gene: ASL (argininosuccinate lyase; plus strand). Cytogenetic location: 7q11.21.
Variant type: Deletion.
Coding change: c.540del on transcript NM_000048.4 (MANE Select); coding-DNA position 540, one base deleted (G; older notation c.540delG).
Protein change: p.Thr181fs; shifts the reading frame from threonine 181.
Molecular consequence: frameshift variant. On other transcripts: intron variant (1).
Genome position (GRCh38, 1-based): chr7:66,086,759, G deleted. VCF-style (leftmost placement, unchanged base first): chr7-66086758-TG-T. GRCh37 (hg19) VCF-style: chr7-65551745-TG-T.
Other names: c.540del, p.Thr181fs (NM_001024943.2, NM_001024944.2); c.524+97del (NM_001024946.2); short protein forms T181fs.
Identifiers: ClinVar variation 5007226 (VCV005007226.2).

ClinVar aggregate classification (germline): Likely pathogenic (1 of 4 stars; one submission).

Conditions:
Argininosuccinate lyase deficiency. Also called: Argininosuccinic aciduria; ARGININOSUCCINIC ACID LYASE DEFICIENCY; ASL DEFICIENCY. Identifiers: Orphanet 23, MedGen C0268547, MONDO:0008815, OMIM 207900, HP:0025630.

Submission:

Juno Genomics, Hangzhou Juno Genomics, Inc
Classification: Likely pathogenic for Argininosuccinate lyase deficiency. Review status: criteria provided, single submitter. Criteria: ACMG Guidelines, 2015. Collection method: clinical testing. Allele origin: germline.
Comment: Null variant in a gene where loss of function (LOF) is a known mechanism of disease.;Absent from controls (or at extremely low frequency if recessive) in Genome Aggregation Database.